The following is an entry in ClinVar:

ClinVar aggregate classification (germline): Uncertain significance (1 of 4 stars; one submission).

Conditions:
Inborn genetic diseases. Identifiers: MedGen C0950123, MeSH D030342.

Submission:

Ambry Genetics
Classification: Uncertain significance for Inborn genetic diseases. Last evaluated: 2024-04-17. Review status: criteria provided, single submitter. Criteria: Ambry Variant Classification Scheme 2023. Collection method: clinical testing. Allele origin: germline.
Comment: The p.T2416N variant (also known as c.7247C>A), located in coding exon 49 of the LRRK2 gene, results from a C to A substitution at nucleotide position 7247. The threonine at codon 2416 is replaced by asparagine, an amino acid with similar properties. This amino acid position is conserved. In addition, this alteration is predicted to be tolerated by in silico analysis. Based on the available evidence, the clinical significance of this variant remains unclear.

NM_198578.4(LRRK2):c.7247C>A (p.Thr2416Asn)

Gene: LRRK2 (leucine rich repeat kinase 2; plus strand). Cytogenetic location: 12q12.
Variant type: single nucleotide variant.
Coding change: c.7247C>A on transcript NM_198578.4 (MANE Select); coding-DNA position 7247, C replaced by A.
Protein change: p.Thr2416Asn; replaces threonine 2416 with asparagine.
Molecular consequence: missense variant.
Genome position (GRCh38, 1-based): chr12:40,364,907, C>A. VCF-style: chr12-40364907-C-A. GRCh37 (hg19) VCF-style: chr12-40758709-C-A.
Other names: short protein forms T2416N.
Identifiers: ClinVar variation 3291905 (VCV003291905.1).